The following is an entry in ClinVar:

NM_176787.5(PIGN):c.2615C>G (p.Ala872Gly)

Gene: PIGN (phosphatidylinositol glycan anchor biosynthesis class N; minus strand). Cytogenetic location: 18q21.33.
Variant type: single nucleotide variant.
Coding change: c.2615C>G on transcript NM_176787.5 (MANE Select); coding-DNA position 2615, C replaced by G.
Protein change: p.Ala872Gly; replaces alanine 872 with glycine.
Molecular consequence: missense variant.
Genome position (GRCh38, 1-based): chr18:62,074,783, G>C on the plus strand (C>G on the coding strand, the complement: PIGN is on the minus strand). VCF-style: chr18-62074783-G-C. GRCh37 (hg19) VCF-style: chr18-59742016-G-C.
Other names: c.2615C>G, p.Ala872Gly (NM_012327.6); short protein forms A872G.
Identifiers: ClinVar variation 2068012 (VCV002068012.4), dbSNP rs1193256371, ClinGen allele CA402723551.

ClinVar aggregate classification (germline): Uncertain significance (1 of 4 stars; one submission).

Conditions:
Multiple congenital anomalies-hypotonia-seizures syndrome 1 (MCAHS1). Also called: GLYCOSYLPHOSPHATIDYLINOSITOL BIOSYNTHESIS DEFECT 3; PIGN-CDG; Congenital disorder of glycosylation due to PIGN deficiency. Identifiers: Orphanet 280633, MedGen C3279775, MONDO:0013563, OMIM 614080.

Allele frequency attached by ClinVar (database versions not stated): gnomAD exomes below 0.00001.
gnomAD v4.1: 3 of 1,602,662 alleles (0.00019%); highest among the groups gnomAD compares: Non-Finnish European, 0.00017%; no homozygotes.

Submission:

Labcorp Genetics (formerly Invitae), Labcorp
Classification: Uncertain significance for Multiple congenital anomalies-hypotonia-seizures syndrome 1. Last evaluated: 2022-07-08. Review status: criteria provided, single submitter. Criteria: Invitae Variant Classification Sherloc (09022015). Collection method: clinical testing. Allele origin: germline.
Comment: This variant is present in population databases (no rsID available, gnomAD 0.003%). This sequence change replaces alanine, which is neutral and non-polar, with glycine, which is neutral and non-polar, at codon 872 of the PIGN protein (p.Ala872Gly). This variant has not been reported in the literature in individuals affected with PIGN-related conditions. Algorithms developed to predict the effect of missense changes on protein structure and function (SIFT, PolyPhen-2, Align-GVGD) all suggest that this variant is likely to be tolerated. Algorithms developed to predict the effect of sequence changes on RNA splicing suggest that this variant may disrupt the consensus splice site. In summary, the available evidence is currently insufficient to determine the role of this variant in disease. Therefore, it has been classified as a Variant of Uncertain Significance.